The following is an entry in ClinVar:

ClinVar aggregate classification (germline): Benign. Review status: criteria provided, multiple submitters, no conflicts (2 of 4 stars). 4 submissions from 4 submitters: Benign (3). 1 of the submissions does not count toward it. Last evaluated 2024-11-26.

Conditions:
Familial colorectal cancer. Identifiers: MedGen CN280943, MONDO:0023113. Disease mechanism: loss of function.

Allele frequency attached by ClinVar (database versions not stated): gnomAD 0.60798 and 0.61748; TOPMed 0.62676; 1000 Genomes Project 30x 0.67442; 1000 Genomes Project 0.67911.
gnomAD v4.1: 93,908 of 152,012 alleles (62%); highest among the groups gnomAD compares: East Asian, 82%; 29,434 homozygotes.

Submissions (4):

Blueprint Genetics
Classification: Benign. Last evaluated: 2024-11-26. Review status: criteria provided, single submitter. Criteria: ACMG Guidelines, 2015. Collection method: clinical testing. Allele origin: germline.

ARUP Laboratories, Molecular Genetics and Genomics, ARUP Laboratories
Classification: Benign. Last evaluated: 2022-09-13. Review status: criteria provided, single submitter. Criteria: ARUP Molecular Germline Variant Investigation Process 2021. Collection method: clinical testing. Allele origin: germline.

GeneDx
Classification: Benign. Last evaluated: 2019-01-10. Review status: criteria provided, single submitter. Criteria: GeneDx Variant Classification Process June 2021. Collection method: clinical testing. Allele origin: germline. Affected: yes.

Systems Biology Platform Zhejiang California International NanoSystems Institute
Classification: other for Familial colorectal cancer. Review status: no assertion criteria provided. Collection method: not provided. Allele origin: unknown. Not counted in ClinVar's aggregate classification.
ClinVar note: Converted during submission from cancer to other.

NM_000038.6(APC):c.1408+743G>A

Gene: APC (APC regulator of Wnt signaling pathway; plus strand). Cytogenetic location: 5q22.2.
Variant type: single nucleotide variant.
Coding change: c.1408+743G>A on transcript NM_000038.6 (MANE Select); 743 bases into the intron after coding-DNA position 1408, G replaced by A.
Molecular consequence: intron variant.
Genome position (GRCh38, 1-based): chr5:112,822,734, G>A. VCF-style: chr5-112822734-G-A. GRCh37 (hg19) VCF-style: chr5-112158431-G-A.
Other names: c.1408+743G>A (NM_001354895.2, NM_001127510.3); c.1438+743G>A (NM_001354897.2); c.1135+743G>A (NM_001354902.2); c.1354+743G>A (NM_001127511.3); c.1333+743G>A (NM_001354898.2); c.1030+743G>A (NM_001354904.2); c.559+743G>A (NM_001354906.2); c.1409-573G>A (NM_001354896.2); and 5 more.
Identifiers: ClinVar variation 83136 (VCV000083136.19), dbSNP rs2545162, ClinGen allele CA004954.
Genomic context (GRCh38, chr5:112,822,734, plus strand): 5'-ATGCTGAACCATCTCATGTGAACTGGATCTCTCTAGTCATGCCACAAGCAAGAACCATAC[G>A]CTTAATTCCCATTTTAGTGTAATTGTGCCCTTGCTTTTTGTGCCGTTTATGTTACATTAT-3'